The following is an entry in ClinVar:

ClinVar aggregate classification (germline): Uncertain significance (1 of 4 stars; one submission).

Conditions:
Inborn genetic diseases. Identifiers: MedGen C0950123, MeSH D030342.

Submission:

Ambry Genetics
Classification: Uncertain significance for Inborn genetic diseases. Last evaluated: 2016-07-19. Review status: criteria provided, single submitter. Criteria: Ambry Variant Classification Scheme 2023. Collection method: clinical testing. Allele origin: germline.
Comment: The p.R528L variant (also known as c.1583G>T), located in coding exon 5 of the ARX gene, results from a G to T substitution at nucleotide position 1583. The arginine at codon 528 is replaced by leucine, an amino acid with dissimilar properties. This variant was not reported in population based cohorts in the following databases: Database of Single Nucleotide Polymorphisms (dbSNP), NHLBI Exome Sequencing Project (ESP), and 1000 Genomes Project. In the ESP, this variant was not observed in 5758 samples with coverage at this position. This amino acid position is highly conserved in available vertebrate species. In addition, this alteration is predicted to be deleterious by in silico analysis. Since supporting evidence is limited at this time, the clinical significance of p.R528L remains unclear.

NM_139058.3(ARX):c.1583G>T (p.Arg528Leu)

Gene: ARX (aristaless related homeobox; minus strand). Cytogenetic location: Xp21.3.
Variant type: single nucleotide variant.
Coding change: c.1583G>T on transcript NM_139058.3 (MANE Select); coding-DNA position 1583, G replaced by T.
Protein change: p.Arg528Leu; replaces arginine 528 with leucine.
Molecular consequence: missense variant.
Genome position (GRCh38, 1-based): chrX:25,004,776, C>A on the plus strand (G>T on the coding strand, the complement: ARX is on the minus strand). VCF-style: chrX-25004776-C-A. GRCh37 (hg19) VCF-style: chrX-25022893-C-A.
Other names: short protein forms R528L.
Identifiers: ClinVar variation 1775756 (VCV001775756.2), dbSNP rs2519099249, ClinGen allele CA412610709.
Genomic context (GRCh38, chrX:25,004,776, plus strand): 5'-TGCGTGAGCTGCGCCGCGTGCTCCTTGGCCTTGAGCCTCAGCGCGGCTATGCTAGAGGCG[C>A]GTCTGTCTGCGGCCGCCGTGGCCGGGTCGGCCAGGGCGCCCGATGCCACTGCGCCCTCCA-3'
Protein context (NP_620689.1, residues 518-538): ADPATAAADR[Arg528Leu]ASSIAALRLK